The following is an entry in ClinVar:

ClinVar aggregate classification (germline): Conflicting classifications of pathogenicity. Review status: criteria provided, conflicting classifications (1 of 4 stars). 4 submissions from 4 submitters: Likely pathogenic (1); Uncertain significance (3). Last evaluated 2026-06-04.

Conditions:
Hereditary cancer-predisposing syndrome. Also called: Tumor predisposition; Hereditary neoplastic syndrome; Neoplastic Syndromes, Hereditary; Hereditary Cancer Syndrome. Identifiers: Orphanet 140162, MedGen C0027672, MeSH D009386, MONDO:0015356.
Cardiovascular phenotype. Identifiers: MedGen CN230736.
LZTR1-related schwannomatosis. Also called: Schwannomatosis 2; Schwannomatosis-2, susceptibility to. Identifiers: Orphanet 93921, MedGen C3810283, MONDO:0014299, OMIM 615670.

gnomAD v4.1: 5 of 1,613,668 alleles (0.00031%); highest among the groups gnomAD compares: East Asian, 0.0022%; no homozygotes.

Submissions (4):

Ambry Genetics
Classification: Likely pathogenic for Cardiovascular phenotype; Hereditary cancer-predisposing syndrome. Last evaluated: 2026-06-04. Review status: criteria provided, single submitter. Criteria: Ambry Variant Classification Scheme 2023. Collection method: clinical testing. Allele origin: germline.
Comment: The c.2406G>A variant (also known as p.K802K), located in coding exon 20 of the LZTR1 gene, results from a G to A substitution at nucleotide position 2406. This nucleotide substitution does not change the amino acid at codon 802. In silico splice site analysis predicts that this alteration will weaken the native splice donor site. RNA studies have demonstrated that this alteration results in abnormal splicing in the set of samples tested (Ambry internal data). The resulting transcript is predicted to be in-frame and is not expected to trigger nonsense-mediated mRNAdecay. The exact functional effect of the altered amino acid sequence is unknown; however, the impacted region is critical for protein function (Ambry internal data). This nucleotide position is highly conserved in available vertebrate species. This variant is considered to be rare based on population cohorts in the Genome Aggregation Database (gnomAD). Based on the supporting evidence, this variant is likely pathogenic for an increased risk of LZTR1-related schwannomatosis (SWN) and would be expected to cause autosomal recessive Noonan syndrome when present along with a second pathogenic or likely pathogenic variant on the other allele.

Women's Health and Genetics/Laboratory Corporation of America, LabCorp
Classification: Uncertain significance. Last evaluated: 2026-01-16. Review status: criteria provided, single submitter. Criteria: LabCorp Variant Classification Summary - May 2015. Collection method: clinical testing. Allele origin: germline.
Comment: Variant summary: LZTR1 c.2406G>A (p.Lys802Lys) alters a conserved nucleotide located close to a canonical splice site and therefore could affect mRNA splicing, leading to a significantly altered protein sequence. Several computational tools predict a significant impact on normal splicing: Two predict the variant weakens a 5' donor site. Two predict the variant abolishes a 5' splicing donor site. However, these predictions have yet to be confirmed by functional studies. The variant allele was found at a frequency of 8e-06 in 250978 control chromosomes. The available data on variant occurrences in the general population are insufficient to allow any conclusion about variant significance. To our knowledge, no occurrence of c.2406G>A in individuals affected with LZTR1-related conditions and no experimental evidence demonstrating its impact on protein function have been reported. ClinVar contains an entry for this variant (Variation ID: 2676403). Based on the evidence outlined above, the variant was classified as uncertain significance.

Labcorp Genetics (formerly Invitae), Labcorp
Classification: Uncertain significance. Last evaluated: 2025-03-17. Review status: criteria provided, single submitter. Criteria: Invitae Variant Classification Sherloc (09022015). Collection method: clinical testing. Allele origin: germline.
Comment: This sequence change affects codon 802 of the LZTR1 mRNA. It is a 'silent' change, meaning that it does not change the encoded amino acid sequence of the LZTR1 protein. This variant also falls at the last nucleotide of exon 20, which is part of the consensus splice site for this exon. This variant is present in population databases (no rsID available, gnomAD 0.003%). This variant has not been reported in the literature in individuals affected with LZTR1-related conditions. ClinVar contains an entry for this variant (Variation ID: 2676403). Variants that disrupt the consensus splice site are a relatively common cause of aberrant splicing (PMID: 17576681, 9536098). Algorithms developed to predict the effect of sequence changes on RNA splicing suggest that this variant may disrupt the consensus splice site. In summary, the available evidence is currently insufficient to determine the role of this variant in disease. Therefore, it has been classified as a Variant of Uncertain Significance.

Baylor Genetics
Classification: Uncertain significance for LZTR1-related schwannomatosis. Last evaluated: 2023-07-19. Review status: criteria provided, single submitter. Criteria: ACMG Guidelines, 2015. Collection method: clinical testing. Allele origin: unknown.

Literature cited by the submitters: PubMed 17576681 (cited by Labcorp Genetics (formerly Invitae), Labcorp); PubMed 9536098 (cited by Labcorp Genetics (formerly Invitae), Labcorp).

NM_006767.4(LZTR1):c.2406G>A (p.Lys802=)

Gene: LZTR1 (leucine zipper like post translational regulator 1; plus strand). Cytogenetic location: 22q11.21.
Variant type: single nucleotide variant.
Coding change: c.2406G>A on transcript NM_006767.4 (MANE Select); coding-DNA position 2406, G replaced by A.
Protein change: p.Lys802=; no amino-acid change (lysine 802 retained).
Molecular consequence: synonymous variant.
Genome position (GRCh38, 1-based): chr22:20,996,966, G>A. VCF-style: chr22-20996966-G-A. GRCh37 (hg19) VCF-style: chr22-21351255-G-A.
Other names: c.2406G>A (NM_006767.3).
Identifiers: ClinVar variation 2676403 (VCV002676403.5), dbSNP rs1284200353, ClinGen allele CA513699582.